The following is an entry in ClinVar:

ClinVar aggregate classification (germline): Uncertain significance (1 of 4 stars; one submission).

Conditions:
Juvenile polyposis syndrome (JPS). Identifiers: Orphanet 2929, MedGen C0345893, MONDO:0017380, OMIM 174900.

Submission:

Labcorp Genetics (formerly Invitae), Labcorp
Classification: Uncertain significance for Juvenile polyposis syndrome. Last evaluated: 2021-02-01. Review status: criteria provided, single submitter. Criteria: Invitae Variant Classification Sherloc (09022015). Collection method: clinical testing. Allele origin: germline.
Comment: In summary, the available evidence is currently insufficient to determine the role of this variant in disease. Therefore, it has been classified as a Variant of Uncertain Significance. Advanced modeling of protein sequence and biophysical properties (such as structural, functional, and spatial information, amino acid conservation, physicochemical variation, residue mobility, and thermodynamic stability) performed at Invitae indicates that this missense variant is not expected to disrupt SMAD4 protein function. This variant has not been reported in the literature in individuals with SMAD4-related conditions. This variant is not present in population databases (ExAC no frequency). This sequence change replaces histidine with tyrosine at codon 26 of the SMAD4 protein (p.His26Tyr). The histidine residue is highly conserved and there is a moderate physicochemical difference between histidine and tyrosine.

NM_005359.6(SMAD4):c.76C>T (p.His26Tyr)

Gene: SMAD4 (SMAD family member 4; plus strand). Cytogenetic location: 18q21.2.
Variant type: single nucleotide variant.
Coding change: c.76C>T on transcript NM_005359.6 (MANE Select); coding-DNA position 76, C replaced by T.
Protein change: p.His26Tyr; replaces histidine 26 with tyrosine.
Molecular consequence: missense variant.
Genome position (GRCh38, 1-based): chr18:51,047,122, C>T. VCF-style: chr18-51047122-C-T. GRCh37 (hg19) VCF-style: chr18-48573492-C-T.
Other names: short protein forms H26Y.
Identifiers: ClinVar variation 1368522 (VCV001368522.8), dbSNP rs2144400736, ClinGen allele CA402457517.